The following is an entry in ClinVar:

NM_006005.3(WFS1):c.1657G>T (p.Gly553Cys)

Gene: WFS1 (wolframin ER transmembrane glycoprotein; plus strand). Cytogenetic location: 4p16.1.
Variant type: single nucleotide variant.
Coding change: c.1657G>T on transcript NM_006005.3 (MANE Select); coding-DNA position 1657, G replaced by T.
Protein change: p.Gly553Cys; replaces glycine 553 with cysteine.
Molecular consequence: missense variant.
Genome position (GRCh38, 1-based): chr4:6,301,452, G>T. VCF-style: chr4-6301452-G-T. GRCh37 (hg19) VCF-style: chr4-6303179-G-T.
Other names: c.1657G>T, p.Gly553Cys (NM_001145853.1); short protein forms G553C.
Identifiers: ClinVar variation 2726191 (VCV002726191.4), dbSNP rs150840308, ClinGen allele CA2839433.

ClinVar aggregate classification (germline): Uncertain significance. Review status: criteria provided, multiple submitters, no conflicts (2 of 4 stars). 2 submissions from 2 submitters: Uncertain significance (2). Last evaluated 2025-07-15.

gnomAD v4.1: 10 of 1,612,514 alleles (0.00062%); highest among the groups gnomAD compares: Non-Finnish European, 0.00076%; no homozygotes.

Submissions (2):

GeneDx
Classification: Uncertain significance. Last evaluated: 2025-07-15. Review status: criteria provided, single submitter. Criteria: GeneDx Variant Classification Process June 2021. Collection method: clinical testing. Allele origin: germline. Affected: yes.
Comment: In silico analysis suggests that this missense variant does not alter protein structure/function; Has not been previously published as pathogenic or benign to our knowledge

Labcorp Genetics (formerly Invitae), Labcorp
Classification: Uncertain significance. Last evaluated: 2022-12-27. Review status: criteria provided, single submitter. Criteria: Invitae Variant Classification Sherloc (09022015). Collection method: clinical testing. Allele origin: germline.
Comment: This sequence change replaces glycine, which is neutral and non-polar, with cysteine, which is neutral and slightly polar, at codon 553 of the WFS1 protein (p.Gly553Cys). In summary, the available evidence is currently insufficient to determine the role of this variant in disease. Therefore, it has been classified as a Variant of Uncertain Significance. Advanced modeling of protein sequence and biophysical properties (such as structural, functional, and spatial information, amino acid conservation, physicochemical variation, residue mobility, and thermodynamic stability) performed at Invitae indicates that this missense variant is not expected to disrupt WFS1 protein function. This variant has not been reported in the literature in individuals affected with WFS1-related conditions. This variant is present in population databases (rs150840308, gnomAD 0.004%).